The following is an entry in ClinVar:

NM_177438.3(DICER1):c.2383C>G (p.Pro795Ala)

Gene: DICER1 (dicer 1, ribonuclease III; minus strand). Cytogenetic location: 14q32.13.
Variant type: single nucleotide variant.
Coding change: c.2383C>G on transcript NM_177438.3 (MANE Select); coding-DNA position 2383, C replaced by G.
Protein change: p.Pro795Ala; replaces proline 795 with alanine.
Molecular consequence: missense variant.
Genome position (GRCh38, 1-based): chr14:95,108,377, G>C on the plus strand (C>G on the coding strand, the complement: DICER1 is on the minus strand). VCF-style: chr14-95108377-G-C. GRCh37 (hg19) VCF-style: chr14-95574714-G-C.
Other names: c.2383C>G, p.Pro795Ala (NM_001195573.1, NM_001271282.3, NM_001291628.2 and 1 more transcripts); short protein forms P795A.
Identifiers: ClinVar variation 1469272 (VCV001469272.9), dbSNP rs1891649224, ClinGen allele CA390882162.

ClinVar aggregate classification (germline): Uncertain significance (1 of 4 stars; one submission).

Conditions:
DICER1-related tumor predisposition. Also called: DICER1-related pleuropulmonary blastoma cancer predisposition syndrome; DICER1 syndrome. Identifiers: Orphanet 284343, MedGen C3839822, MONDO:0100216.

Submission:

Labcorp Genetics (formerly Invitae), Labcorp
Classification: Uncertain significance for DICER1-related tumor predisposition. Last evaluated: 2024-09-06. Review status: criteria provided, single submitter. Criteria: Invitae Variant Classification Sherloc (09022015). Collection method: clinical testing. Allele origin: germline.
Comment: This sequence change replaces proline, which is neutral and non-polar, with alanine, which is neutral and non-polar, at codon 795 of the DICER1 protein (p.Pro795Ala). This variant is not present in population databases (gnomAD no frequency). This variant has not been reported in the literature in individuals affected with DICER1-related conditions. ClinVar contains an entry for this variant (Variation ID: 1469272). Invitae Evidence Modeling of protein sequence and biophysical properties (such as structural, functional, and spatial information, amino acid conservation, physicochemical variation, residue mobility, and thermodynamic stability) indicates that this missense variant is expected to disrupt DICER1 protein function with a positive predictive value of 80%. In summary, the available evidence is currently insufficient to determine the role of this variant in disease. Therefore, it has been classified as a Variant of Uncertain Significance.